The following is an entry in ClinVar:

NM_000059.4(BRCA2):c.631+541T>C

Gene: BRCA2 (BRCA2 DNA repair associated; plus strand). Cytogenetic location: 13q13.1.
Variant type: single nucleotide variant.
Coding change: c.631+541T>C on transcript NM_000059.4 (MANE Select); 541 bases into the intron after coding-DNA position 631, T replaced by C.
Molecular consequence: intron variant.
Genome position (GRCh38, 1-based): chr13:32,327,154, T>C. VCF-style: chr13-32327154-T-C. GRCh37 (hg19) VCF-style: chr13-32901291-T-C.
Other names: IVS 7+541T>C.
Identifiers: ClinVar variation 209653 (VCV000209653.3), dbSNP rs115974024, ClinGen allele CA276622.
Genomic context (GRCh38, chr13:32,327,154, plus strand): 5'-CATTAAACTGTAAACTCTTTGCAGTCTCACCACAGTTTCTCTTACTAGGATCTAGAAATA[T>C]TTCCTATTGTAGGCTGGTTGCAGTGGCTCACGCCTGTAATCCCAACACTTTGGGAGGCTG-3'

ClinVar aggregate classification (germline): Benign. Review status: reviewed by expert panel (3 of 4 stars). 2 submissions from 2 submitters: Benign (1). 1 of the submissions does not count toward it. Last evaluated 2015-01-12.

Conditions:
Breast-ovarian cancer, familial, susceptibility to, 2 (BROVCA2). Also called: BRCA2 Hereditary Breast and Ovarian Cancer. Identifiers: Orphanet 145, MedGen C2675520, MONDO:0012933, OMIM 612555. Disease mechanism: loss of function.
Hereditary cancer-predisposing syndrome. Also called: Neoplastic Syndromes, Hereditary; Hereditary Cancer Syndrome; Tumor predisposition; Hereditary neoplastic syndrome. Identifiers: Orphanet 140162, MedGen C0027672, MeSH D009386, MONDO:0015356.

Allele frequency attached by ClinVar (database versions not stated): gnomAD 0.00722 and 0.00767; TOPMed 0.00806; 1000 Genomes Project 0.00819; 1000 Genomes Project 30x 0.00953.
gnomAD v4.1: 1,089 of 152,308 alleles (0.71%); highest among the groups gnomAD compares: African/African-American, 2.4%; 10 homozygotes.

Submissions (2):

Evidence-based Network for the Interpretation of Germline Mutant Alleles (ENIGMA)
Classification: Benign for Breast-ovarian cancer, familial 2. Last evaluated: 2015-01-12. Review status: reviewed by expert panel. Criteria: ENIGMA BRCA1/2 Classification Criteria (2015). Collection method: curation. Allele origin: germline.
Comment: Class 1 not pathogenic based on frequency >1% in an outbred sampleset. Frequency 0.01829 (African), derived from 1000 genomes (2012-04-30).

University of Washington Department of Laboratory Medicine, University of Washington
Classification: Likely benign for Hereditary cancer-predisposing syndrome. Last evaluated: 2015-12-01. Review status: no assertion criteria provided. Collection method: clinical testing. Allele origin: germline. Affected: yes. Not counted in ClinVar's aggregate classification.